The following is an entry in ClinVar:

NM_001009944.3(PKD1):c.44T>G (p.Leu15Arg)

Gene: PKD1 (polycystin 1, transient receptor potential channel interacting; minus strand). Cytogenetic location: 16p13.3.
Variant type: single nucleotide variant.
Coding change: c.44T>G on transcript NM_001009944.3 (MANE Select); coding-DNA position 44, T replaced by G.
Protein change: p.Leu15Arg; replaces leucine 15 with arginine.
Molecular consequence: missense variant.
Genome position (GRCh38, 1-based): chr16:2,135,646, A>C on the plus strand (T>G on the coding strand, the complement: PKD1 is on the minus strand). VCF-style: chr16-2135646-A-C. GRCh37 (hg19) VCF-style: chr16-2185647-A-C.
Other names: c.44T>G, p.Leu15Arg (NM_000296.4); short protein forms L15R.
Identifiers: ClinVar variation 3776053 (VCV003776053.1).
Genomic context (GRCh38, chr16:2,135,646, plus strand): 5'-GGCTCGCAGGGCCCGCAGCCGCGCCCGGGGCCCCCCGCCAGCGCCCCGAGCCACAGGCCC[A>C]GGCCCAGGGCCAGCGCCAGGCGGGCGGGCGCGGCGGGCGGCATCGTTAGGGCAGCGCGCG-3'
Protein context (NP_001009944.3, residues 5-25): APARLALALG[Leu15Arg]GLWLGALAGG

ClinVar aggregate classification (germline): Uncertain significance (1 of 4 stars; one submission).

Conditions:
Polycystic kidney disease, adult type (PKD1). Also called: Polycystic Kidney, Autosomal Dominant; POLYCYSTIC KIDNEY DISEASE 1 WITH OR WITHOUT POLYCYSTIC LIVER DISEASE; Polycystic Kidney Disease 1, Autosomal Dominant; Polycystic kidney disease 1; Polycystic kidney disease 1, severe; POLYCYSTIC KIDNEY DISEASE, ADULT, TYPE I. Identifiers: MedGen C3149841, MONDO:0008263, OMIM 173900.

Submission:

3billion
Classification: Uncertain significance for Polycystic kidney disease, adult type. Last evaluated: 2023-12-10. Review status: criteria provided, single submitter. Criteria: ACMG Guidelines, 2015. Collection method: clinical testing. Allele origin: germline. Affected: yes.
Comment: The variant is not observed in the gnomAD v2.1.1 dataset. Predicted Consequence/Location: Missense variant Damaging effect on gene or gene product predicted by in silico programs is uncertain [REVEL: 0.24 (damaging >=0.6, benign <0.4), 3Cnet: 0.57 (damaging >=0.6, benign <0.15)] Therefore, this variant is classified as VUS according to the recommendation of ACMG/AMP guideline.